The following is an entry in ClinVar:

ClinVar aggregate classification (germline): Likely pathogenic (1 of 4 stars; one submission).

Allele frequency attached by ClinVar (database versions not stated): ExAC 0.00001; gnomAD 0.00001; TOPMed 0.00001; 1000 Genomes Project 30x 0.00016; 1000 Genomes Project 0.00020.
gnomAD v4.1: 1 of 1,613,918 alleles (0.000062%); highest among the groups gnomAD compares: Admixed American, 0.0017%; no homozygotes.

Submission:

Quest Diagnostics Nichols Institute San Juan Capistrano
Classification: Likely pathogenic. Last evaluated: 2025-07-31. Review status: criteria provided, single submitter. Criteria: Quest Diagnostics criteria. Collection method: clinical testing. Allele origin: unknown.
Comment: The VWF c.3974C>T (p.Ser1325Phe) variant is associated with Type 2M von Willebrand disease and has been shown to cause a loss of VWF binding to GPIb in experimental studies (PMIDs: 25858331 (2015), 27029718 (2016), 35307944 (2022), 37845247 (2023)). The frequency of this variant in the general population (Genome Aggregation Database) is consistent with disease. Analysis of this variant using bioinformatics tools for the prediction of the effect of amino acid changes on protein structure and function yielded inconclusive and damaging findings. Based on the available information, this variant is classified as likely pathogenic.

Literature cited by the submitters: PubMed 35307944; PubMed 25858331; PubMed 32958805; PubMed 27029718; PubMed 34130347; PubMed 27076201; PubMed 37872709; PubMed 37845247.

NM_000552.5(VWF):c.3974C>T (p.Ser1325Phe)

Gene: VWF (von Willebrand factor; minus strand). Cytogenetic location: 12p13.31.
Variant type: single nucleotide variant.
Coding change: c.3974C>T on transcript NM_000552.5 (MANE Select); coding-DNA position 3974, C replaced by T.
Protein change: p.Ser1325Phe; replaces serine 1325 with phenylalanine.
Molecular consequence: missense variant.
Genome position (GRCh38, 1-based): chr12:6,019,444, G>A on the plus strand (C>T on the coding strand, the complement: VWF is on the minus strand). VCF-style: chr12-6019444-G-A. GRCh37 (hg19) VCF-style: chr12-6128610-G-A.
Other names: short protein forms S1325F.
Identifiers: ClinVar variation 1809525 (VCV001809525.3), dbSNP rs538488005, ClinGen allele CA6402638.